The following is an entry in ClinVar:

NM_194277.3(FRMD7):c.211A>G (p.Lys71Glu)

Gene: FRMD7 (FERM domain containing 7; minus strand). Cytogenetic location: Xq26.2.
Variant type: single nucleotide variant.
Coding change: c.211A>G on transcript NM_194277.3 (MANE Select); coding-DNA position 211, A replaced by G.
Protein change: p.Lys71Glu; replaces lysine 71 with glutamic acid.
Molecular consequence: missense variant. On other transcripts: intron variant (1).
Genome position (GRCh38, 1-based): chrX:132,097,339, T>C on the plus strand (A>G on the coding strand, the complement: FRMD7 is on the minus strand). VCF-style: chrX-132097339-T-C. GRCh37 (hg19) VCF-style: chrX-131231367-T-C.
Other names: c.206-40A>G (NM_001306193.2); short protein forms K71E.
Identifiers: ClinVar variation 1956456 (VCV001956456.5), dbSNP rs2520831425, ClinGen allele CA414681955.

ClinVar aggregate classification (germline): Uncertain significance (1 of 4 stars; one submission).

Allele frequency attached by ClinVar (database versions not stated): gnomAD exomes below 0.00001.
gnomAD v4.1: 4 of 1,155,076 alleles (0.00035%); highest among the groups gnomAD compares: African/African-American, 0.0035%; no homozygotes.

Submission:

Labcorp Genetics (formerly Invitae), Labcorp
Classification: Uncertain significance. Last evaluated: 2024-01-04. Review status: criteria provided, single submitter. Criteria: Invitae Variant Classification Sherloc (09022015). Collection method: clinical testing. Allele origin: germline.
Comment: This sequence change replaces lysine, which is basic and polar, with glutamic acid, which is acidic and polar, at codon 71 of the FRMD7 protein (p.Lys71Glu). This variant is not present in population databases (gnomAD no frequency). This variant has not been reported in the literature in individuals affected with FRMD7-related conditions. ClinVar contains an entry for this variant (Variation ID: 1956456). An algorithm developed to predict the effect of missense changes on protein structure and function (PolyPhen-2) suggests that this variant is likely to be disruptive. In summary, the available evidence is currently insufficient to determine the role of this variant in disease. Therefore, it has been classified as a Variant of Uncertain Significance.